The following is an entry in ClinVar:

ClinVar aggregate classification (germline): Uncertain significance (1 of 4 stars; one submission).

Conditions:
Cardiovascular phenotype. Identifiers: MedGen CN230736.

Submission:

Ambry Genetics
Classification: Uncertain significance for Cardiovascular phenotype. Last evaluated: 2026-07-01. Review status: criteria provided, single submitter. Criteria: Ambry Variant Classification Scheme 2023. Collection method: clinical testing. Allele origin: germline.
Comment: The p.T1583A variant (also known as c.4747A>G), located in coding exon 26 of the APOB gene, results from an A to G substitution at nucleotide position 4747. The threonine at codon 1583 is replaced by alanine, an amino acid with similar properties. This amino acid position is conserved. In addition, this alteration is predicted to be tolerated by in silico analysis. Based on the available evidence, the clinical significance of this variant remains unclear.

NM_000384.3(APOB):c.4747A>G (p.Thr1583Ala)

Gene: APOB (apolipoprotein B; minus strand). Cytogenetic location: 2p24.1.
Variant type: single nucleotide variant.
Coding change: c.4747A>G on transcript NM_000384.3 (MANE Select); coding-DNA position 4747, A replaced by G.
Protein change: p.Thr1583Ala; replaces threonine 1583 with alanine.
Molecular consequence: missense variant.
Genome position (GRCh38, 1-based): chr2:21,012,121, T>C on the plus strand (A>G on the coding strand, the complement: APOB is on the minus strand). VCF-style: chr2-21012121-T-C. GRCh37 (hg19) VCF-style: chr2-21234993-T-C.
Other names: short protein forms T1583A.
Identifiers: ClinVar variation 5027053 (VCV005027053.1).